The following is an entry in ClinVar:

NM_001130987.2(DYSF):c.3461G>A (p.Gly1154Asp)

Gene: DYSF (dysferlin; plus strand). Cytogenetic location: 2p13.2.
Variant type: single nucleotide variant.
Coding change: c.3461G>A on transcript NM_001130987.2 (MANE Select); coding-DNA position 3461, G replaced by A.
Protein change: p.Gly1154Asp; replaces glycine 1154 with aspartic acid.
Molecular consequence: missense variant.
Genome position (GRCh38, 1-based): chr2:71,589,651, G>A. VCF-style: chr2-71589651-G-A. GRCh37 (hg19) VCF-style: chr2-71816781-G-A.
Other names: c.3407G>A (NM_003494.3); c.3410G>A, p.Gly1137Asp (NM_001130455.2, NM_001130983.2); c.3365G>A, p.Gly1122Asp (NM_001130976.2, NM_001130977.2); c.3407G>A, p.Gly1136Asp (NM_001130978.2, NM_003494.4); c.3500G>A, p.Gly1167Asp (NM_001130979.2); c.3458G>A, p.Gly1153Asp (NM_001130980.2, NM_001130981.2); c.3503G>A, p.Gly1168Asp (NM_001130982.2); c.3368G>A, p.Gly1123Asp (NM_001130984.2, NM_001130986.2); and 1 more; short protein forms G1123D, G1136D, G1137D, G1168D, G1122D, G1154D, G1153D, G1167D.
Identifiers: ClinVar variation 2103898 (VCV002103898.7), dbSNP rs2093191681, ClinGen allele CA347220551.

ClinVar aggregate classification (germline): Uncertain significance. Review status: criteria provided, multiple submitters, no conflicts (2 of 4 stars). 2 submissions from 2 submitters: Uncertain significance (2). Last evaluated 2022-05-20.

Conditions:
Neuromuscular disease caused by qualitative or quantitative defects of dysferlin. Also called: Qualitative or quantitative defects of dysferlin; Dysferlinopathy. Identifiers: Orphanet 207073, MedGen C2931687, MONDO:0016145.

Allele frequency attached by ClinVar (database versions not stated): gnomAD exomes 0.00001.
gnomAD v4.1: 6 of 1,614,116 alleles (0.00037%); highest among the groups gnomAD compares: East Asian, 0.011%; no homozygotes.

Submissions (2):

Labcorp Genetics (formerly Invitae), Labcorp
Classification: Uncertain significance for Neuromuscular disease caused by qualitative or quantitative defects of dysferlin. Last evaluated: 2022-05-20. Review status: criteria provided, single submitter. Criteria: Invitae Variant Classification Sherloc (09022015). Collection method: clinical testing. Allele origin: germline.
Comment: In summary, the available evidence is currently insufficient to determine the role of this variant in disease. Therefore, it has been classified as a Variant of Uncertain Significance. Advanced modeling of protein sequence and biophysical properties (such as structural, functional, and spatial information, amino acid conservation, physicochemical variation, residue mobility, and thermodynamic stability) performed at Invitae indicates that this missense variant is expected to disrupt DYSF protein function. This variant has not been reported in the literature in individuals affected with DYSF-related conditions. This variant is not present in population databases (gnomAD no frequency). This sequence change replaces glycine, which is neutral and non-polar, with aspartic acid, which is acidic and polar, at codon 1136 of the DYSF protein (p.Gly1136Asp).

Revvity Omics, Revvity
Classification: Uncertain significance. Last evaluated: 2020-04-17. Review status: criteria provided, single submitter. Criteria: ACMG Guidelines, 2015. Collection method: clinical testing. Allele origin: germline.